The following is an entry in ClinVar:

ClinVar aggregate classification (germline): Uncertain significance (1 of 4 stars; one submission).

Allele frequency attached by ClinVar (database versions not stated): gnomAD exomes below 0.00001; gnomAD 0.00001.

Submission:

GeneDx
Classification: Uncertain significance. Last evaluated: 2019-09-11. Review status: criteria provided, single submitter. Criteria: GeneDx Variant Classification Process June 2021. Collection method: clinical testing. Allele origin: germline. Affected: yes.
Comment: In silico analysis, which includes protein predictors and evolutionary conservation, supports that this variant does not alter protein structure/function; Has not been previously published as pathogenic or benign to our knowledge

NM_025219.3(DNAJC5):c.457G>A (p.Glu153Lys)

Gene: DNAJC5 (DnaJ heat shock protein family (Hsp40) member C5; plus strand). Cytogenetic location: 20q13.33.
Variant type: single nucleotide variant.
Coding change: c.457G>A on transcript NM_025219.3 (MANE Select); coding-DNA position 457, G replaced by A.
Protein change: p.Glu153Lys; replaces glutamic acid 153 with lysine.
Molecular consequence: missense variant.
Genome position (GRCh38, 1-based): chr20:63,930,986, G>A. VCF-style: chr20-63930986-G-A. GRCh37 (hg19) VCF-style: chr20-62562339-G-A.
Other names: short protein forms E153K.
Identifiers: ClinVar variation 1312155 (VCV001312155.2), dbSNP rs1472867397, ClinGen allele CA409720058.